The following is an entry in ClinVar:

ClinVar aggregate classification (germline): Conflicting classifications of pathogenicity. Review status: criteria provided, conflicting classifications (1 of 4 stars). 3 submissions from 3 submitters: Uncertain significance (2); Likely benign (1). Last evaluated 2025-01-29.

Conditions:
Cardiovascular phenotype. Identifiers: MedGen CN230736.
Arrhythmogenic right ventricular dysplasia 8 (ARVD8). Also called: Arrhythmogenic Right Ventricular Dysplasia/Cardiomyopathy 8; ARRHYTHMOGENIC RIGHT VENTRICULAR DYSPLASIA, FAMILIAL, 8; ARRHYTHMOGENIC RIGHT VENTRICULAR CARDIOMYOPATHY 8. Identifiers: MedGen C1843896, MONDO:0011831, OMIM 607450.
Arrhythmogenic cardiomyopathy with wooly hair and keratoderma. Also called: Carvajal syndrome; PALMOPLANTAR KERATODERMA WITH LEFT VENTRICULAR CARDIOMYOPATHY AND WOOLLY HAIR; Dilated cardiomyopathy with woolly hair and keratoderma; Arrhythmogenic cardiomyopathy with woolly hair and keratoderma. Identifiers: Orphanet 65282, MedGen C1854063, MONDO:0011581, OMIM 605676.

Allele frequency attached by ClinVar (database versions not stated): gnomAD exomes 0.00001; ExAC 0.00002; TOPMed 0.00002.
gnomAD v4.1: 18 of 1,614,154 alleles (0.0011%); highest among the groups gnomAD compares: African/African-American, 0.004%; 1 homozygote.

Submissions (3):

Labcorp Genetics (formerly Invitae), Labcorp
Classification: Likely benign for Arrhythmogenic cardiomyopathy with wooly hair and keratoderma; Arrhythmogenic right ventricular dysplasia 8. Last evaluated: 2025-01-29. Review status: criteria provided, single submitter. Criteria: Invitae Variant Classification Sherloc (09022015). Collection method: clinical testing. Allele origin: germline.

All of Us Research Program, National Institutes of Health
Classification: Uncertain significance for Arrhythmogenic cardiomyopathy with wooly hair and keratoderma. Last evaluated: 2024-08-06. Review status: criteria provided, single submitter. Criteria: ACMG Guidelines, 2015. Collection method: clinical testing. Allele origin: germline. Inheritance: Autosomal dominant inheritance. Observed: 2 variant alleles, 2 heterozygotes.
Comment: This missense variant replaces arginine with tryptophan at codon 2013 of the DSP protein. Computational prediction suggests that this variant may not impact protein structure and function (internally defined REVEL score threshold <= 0.5, PMID: 27666373). To our knowledge, functional studies have not been reported for this variant. This variant has not been reported in individuals affected with DSP-related disorders in the literature. This variant has been identified in 3/250818 chromosomes in the general population by the Genome Aggregation Database (gnomAD). The available evidence is insufficient to determine the role of this variant in disease conclusively. Therefore, this variant is classified as a Variant of Uncertain Significance.

This study involves interpretation of variants in research participants for the purpose of population health screening. Participant phenotype was not available at the time of variant classification. Additional details can be found in publication PMID: 35346344, PMCID: PMC8962531

Ambry Genetics
Classification: Uncertain significance for Cardiovascular phenotype. Last evaluated: 2024-04-27. Review status: criteria provided, single submitter. Criteria: Ambry Variant Classification Scheme 2023. Collection method: clinical testing. Allele origin: germline.
Comment: The p.R2013W variant (also known as c.6037C>T), located in coding exon 24 of the DSP gene, results from a C to T substitution at nucleotide position 6037. The arginine at codon 2013 is replaced by tryptophan, an amino acid with dissimilar properties. This amino acid position is conserved. In addition, this alteration is predicted to be tolerated by in silico analysis. Based on the available evidence, the clinical significance of this variant remains unclear.

NM_004415.4(DSP):c.6037C>T (p.Arg2013Trp)

Gene: DSP (desmoplakin; plus strand). Cytogenetic location: 6p24.3.
Variant type: single nucleotide variant.
Coding change: c.6037C>T on transcript NM_004415.4 (MANE Select); coding-DNA position 6037, C replaced by T.
Protein change: p.Arg2013Trp; replaces arginine 2013 with tryptophan.
Molecular consequence: missense variant.
Genome position (GRCh38, 1-based): chr6:7,583,299, C>T. VCF-style: chr6-7583299-C-T. GRCh37 (hg19) VCF-style: chr6-7583532-C-T.
Other names: c.4240C>T, p.Arg1414Trp (NM_001008844.3); c.4708C>T, p.Arg1570Trp (NM_001319034.2); short protein forms R1414W, R1570W, R2013W.
Identifiers: ClinVar variation 3069277 (VCV003069277.5), dbSNP rs756529985, ClinGen allele CA046650.